The following is an entry in ClinVar:

ClinVar aggregate classification (germline): Uncertain significance. Review status: criteria provided, multiple submitters, no conflicts (2 of 4 stars). 2 submissions from 2 submitters: Uncertain significance (2). Last evaluated 2024-03-06.

Conditions:
Hereditary cancer-predisposing syndrome. Also called: Hereditary Cancer Syndrome; Tumor predisposition; Hereditary neoplastic syndrome; Neoplastic Syndromes, Hereditary. Identifiers: Orphanet 140162, MedGen C0027672, MeSH D009386, MONDO:0015356.
Familial cancer of breast. Also called: hereditary breast carcinoma; Hereditary breast cancer; BREAST CANCER, FAMILIAL. Identifiers: Orphanet 227535, MedGen C0346153, MONDO:0016419, OMIM 114480. Disease mechanism: loss of function.

Allele frequency attached by ClinVar (database versions not stated): gnomAD exomes below 0.00001.
gnomAD v4.1: 2 of 1,613,962 alleles (0.00012%); highest among the groups gnomAD compares: Non-Finnish European, 0.00017%; no homozygotes.

Submissions (2):

Color Diagnostics, LLC DBA Color Health
Classification: Uncertain significance for Hereditary cancer-predisposing syndrome. Last evaluated: 2024-03-06. Review status: criteria provided, single submitter. Criteria: ACMG Guidelines, 2015. Collection method: clinical testing. Allele origin: germline.
Comment: This missense variant replaces leucine with valine at codon 402 of the PALB2 protein. Computational prediction suggests that this variant may not impact protein structure and function (internally defined REVEL score threshold <= 0.5, PMID: 27666373). To our knowledge, functional studies have not been reported for this variant. This variant has not been reported in individuals affected with hereditary cancer in the literature. This variant has not been identified in the general population by the Genome Aggregation Database (gnomAD). The available evidence is insufficient to determine the role of this variant in disease conclusively. Therefore, this variant is classified as a Variant of Uncertain Significance.

Labcorp Genetics (formerly Invitae), Labcorp
Classification: Uncertain significance for Familial cancer of breast. Last evaluated: 2020-08-04. Review status: criteria provided, single submitter. Criteria: Invitae Variant Classification Sherloc (09022015). Collection method: clinical testing. Allele origin: germline.
Comment: In summary, the available evidence is currently insufficient to determine the role of this variant in disease. Therefore, it has been classified as a Variant of Uncertain Significance. Algorithms developed to predict the effect of missense changes on protein structure and function are either unavailable or do not agree on the potential impact of this missense change (SIFT: "Deleterious"; PolyPhen-2: "Probably Damaging"; Align-GVGD: "Class C0"). This variant has not been reported in the literature in individuals with PALB2-related conditions. This variant is not present in population databases (ExAC no frequency). This sequence change replaces leucine with valine at codon 402 of the PALB2 protein (p.Leu402Val). The leucine residue is highly conserved and there is a small physicochemical difference between leucine and valine.

NM_024675.4(PALB2):c.1204C>G (p.Leu402Val)

Gene: PALB2 (partner and localizer of BRCA2; minus strand). Cytogenetic location: 16p12.2.
Variant type: single nucleotide variant.
Coding change: c.1204C>G on transcript NM_024675.4 (MANE Select); coding-DNA position 1204, C replaced by G.
Protein change: p.Leu402Val; replaces leucine 402 with valine.
Molecular consequence: missense variant.
Genome position (GRCh38, 1-based): chr16:23,635,342, G>C on the plus strand (C>G on the coding strand, the complement: PALB2 is on the minus strand). VCF-style: chr16-23635342-G-C. GRCh37 (hg19) VCF-style: chr16-23646663-G-C.
Other names: short protein forms L402V.
Identifiers: ClinVar variation 1043636 (VCV001043636.13), dbSNP rs1555461402, ClinGen allele CA395133209.
Genomic context (GRCh38, chr16:23,635,342, plus strand): 5'-TCCTCTGGCAATTGGACATGCTTCGTGTTGTTCTAACATAATATTCTGCAGGAAACAGAA[G>C]GCCTTCAGGCACTGTGCAAGAATGTTTTTCTGCAGAAAGAGGAGAGGTTGCTTCCAGGCT-3'
Protein context (NP_078951.2, residues 392-412): EKHSCTVPEG[Leu402Val]LFPAEYYVRT